The following is an entry in ClinVar:

ClinVar aggregate classification (germline): Conflicting classifications of pathogenicity. Review status: criteria provided, conflicting classifications (1 of 4 stars). 3 submissions from 3 submitters: Uncertain significance (2); Likely benign (1). Last evaluated 2026-06-20.

Conditions:
Ehlers-Danlos syndrome, classic type, 1 (EDSCL1). Also called: Ehlers-Danlos syndrome, type 1; Ehlers-Danlos Syndrome, Classic Type, COL5A1-Related; EHLERS-DANLOS SYNDROME, GRAVIS TYPE; EHLERS-DANLOS SYNDROME, SEVERE CLASSIC TYPE; EDS I. Identifiers: MedGen C0268335, MONDO:0019567, OMIM 130000.
Familial thoracic aortic aneurysm and aortic dissection (TAAD). Also called: Thoracic aortic aneurysms and dissections. Identifiers: Orphanet 91387, MedGen C4707243, MONDO:0019625.
Ehlers-Danlos syndrome, classic type (cEDS). Identifiers: Orphanet 287, MedGen C4225429, MONDO:0007522.

Allele frequency attached by ClinVar (database versions not stated): gnomAD exomes 0.00002 and 0.00001; TOPMed 0.00003; ExAC 0.00002; gnomAD 0.00003.
gnomAD v4.1: 38 of 1,613,818 alleles (0.0024%); highest among the groups gnomAD compares: East Asian, 0.016%; no homozygotes.

Submissions (3):

Ambry Genetics
Classification: Uncertain significance for Familial thoracic aortic aneurysm and aortic dissection. Last evaluated: 2026-06-20. Review status: criteria provided, single submitter. Criteria: Ambry Variant Classification Scheme 2023. Collection method: clinical testing. Allele origin: germline.
Comment: The p.V1445I variant (also known as c.4333G>A), located in coding exon 53 of the COL5A2 gene, results from a G to A substitution at nucleotide position 4333. The valine at codon 1445 is replaced by isoleucine, an amino acid with highly similar properties. This amino acid position is conserved. In addition, the in silico prediction for this alteration is inconclusive. Based on the available evidence, the clinical significance of this variant remains unclear.

Labcorp Genetics (formerly Invitae), Labcorp
Classification: Likely benign for Ehlers-Danlos syndrome, classic type, 1. Last evaluated: 2025-09-03. Review status: criteria provided, single submitter. Criteria: Invitae Variant Classification Sherloc (09022015). Collection method: clinical testing. Allele origin: germline.

Department of Pathology and Laboratory Medicine, Sinai Health System
Classification: Uncertain significance for Ehlers-Danlos syndrome, classic type. Last evaluated: 2022-04-19. Review status: criteria provided, single submitter. Criteria: ACMG Guidelines, 2015. Collection method: research. Allele origin: germline.

NM_000393.5(COL5A2):c.4333G>A (p.Val1445Ile)

Gene: COL5A2 (collagen type V alpha 2 chain; minus strand). Cytogenetic location: 2q32.2.
Variant type: single nucleotide variant.
Coding change: c.4333G>A on transcript NM_000393.5 (MANE Select); coding-DNA position 4333, G replaced by A.
Protein change: p.Val1445Ile; replaces valine 1445 with isoleucine.
Molecular consequence: missense variant.
Genome position (GRCh38, 1-based): chr2:189,034,936, C>T on the plus strand (G>A on the coding strand, the complement: COL5A2 is on the minus strand). VCF-style: chr2-189034936-C-T. GRCh37 (hg19) VCF-style: chr2-189899662-C-T.
Other names: short protein forms V1445I.
Identifiers: ClinVar variation 333130 (VCV000333130.20), dbSNP rs762653511, ClinGen allele CA2021817.
Genomic context (GRCh38, chr2:189,034,936, plus strand): 5'-TTTTCCTCAACCAGATCAATGTAGATCAAAAAGTACTTACAGAGCAAGTGTCTTGAAGAA[C>T]GATATACCGGAATCTAATATTTCCCTCTGCTTTGATATCTAAGTCATTTGCCCCTTTGAG-3'
Protein context (NP_000384.2, residues 1435-1455): AEGNIRFRYI[Val1445Ile]LQDTCSKRNG